The following is an entry in ClinVar:

NM_003072.5(SMARCA4):c.1417C>G (p.Gln473Glu)

Gene: SMARCA4 (SWI/SNF related BAF chromatin remodeling complex subunit ATPase 4; plus strand). Cytogenetic location: 19p13.2.
Variant type: single nucleotide variant.
Coding change: c.1417C>G on transcript NM_003072.5 (MANE Select); coding-DNA position 1417, C replaced by G.
Protein change: p.Gln473Glu; replaces glutamine 473 with glutamic acid.
Molecular consequence: missense variant. On other transcripts: non-coding transcript variant (1).
Genome position (GRCh38, 1-based): chr19:10,991,321, C>G. VCF-style: chr19-10991321-C-G. GRCh37 (hg19) VCF-style: chr19-11101997-C-G.
Other names: c.1417C>G, p.Gln473Glu (NM_001128844.3, NM_001128845.2, NM_001128846.2 and 6 more transcripts); short protein forms Q473E.
Identifiers: ClinVar variation 1720130 (VCV001720130.5), dbSNP rs2145882882, ClinGen allele CA404061182.

ClinVar aggregate classification (germline): Uncertain significance (1 of 4 stars; one submission).

Conditions:
Rhabdoid tumor predisposition syndrome 2 (RTPS2). Identifiers: Orphanet 231108, Orphanet 69077, MedGen C2750074, MONDO:0013224, OMIM 613325.

Submission:

Labcorp Genetics (formerly Invitae), Labcorp
Classification: Uncertain significance for Rhabdoid tumor predisposition syndrome 2. Last evaluated: 2022-10-18. Review status: criteria provided, single submitter. Criteria: Invitae Variant Classification Sherloc (09022015). Collection method: clinical testing. Allele origin: germline.
Comment: This sequence change replaces glutamine, which is neutral and polar, with glutamic acid, which is acidic and polar, at codon 473 of the SMARCA4 protein (p.Gln473Glu). This variant is not present in population databases (gnomAD no frequency). This variant has not been reported in the literature in individuals affected with SMARCA4-related conditions. Algorithms developed to predict the effect of missense changes on protein structure and function (SIFT, PolyPhen-2, Align-GVGD) all suggest that this variant is likely to be disruptive. In summary, the available evidence is currently insufficient to determine the role of this variant in disease. Therefore, it has been classified as a Variant of Uncertain Significance.